The following is an entry in ClinVar:

NM_000179.3(MSH6):c.2895G>C (p.Arg965Ser)

Gene: MSH6 (mutS homolog 6; plus strand). Cytogenetic location: 2p16.3.
Variant type: single nucleotide variant.
Coding change: c.2895G>C on transcript NM_000179.3 (MANE Select); coding-DNA position 2895, G replaced by C.
Protein change: p.Arg965Ser; replaces arginine 965 with serine.
Molecular consequence: missense variant.
Genome position (GRCh38, 1-based): chr2:47,800,878, G>C. VCF-style: chr2-47800878-G-C. GRCh37 (hg19) VCF-style: chr2-48028017-G-C.
Other names: c.2505G>C, p.Arg835Ser (NM_001281492.2); c.1989G>C, p.Arg663Ser (NM_001281493.2, NM_001281494.2); short protein forms R965S, R835S, R663S.
Identifiers: ClinVar variation 628412 (VCV000628412.14), dbSNP rs1558667093, ClinGen allele CA346756085.

ClinVar aggregate classification (germline): Uncertain significance. Review status: criteria provided, multiple submitters, no conflicts (2 of 4 stars). 3 submissions from 3 submitters: Uncertain significance (3). Last evaluated 2025-05-14.

Conditions:
Hereditary cancer-predisposing syndrome. Also called: Neoplastic Syndromes, Hereditary; Tumor predisposition; Hereditary neoplastic syndrome; Hereditary Cancer Syndrome. Identifiers: Orphanet 140162, MedGen C0027672, MeSH D009386, MONDO:0015356.
Hereditary nonpolyposis colorectal neoplasms. Identifiers: MedGen C0009405, MeSH D003123.

Allele frequency attached by ClinVar (database versions not stated): gnomAD exomes below 0.00001.
gnomAD v4.1: 2 of 1,612,418 alleles (0.00012%); highest among the groups gnomAD compares: Non-Finnish European, 0.00017%; no homozygotes.

Submissions (3):

Ambry Genetics
Classification: Uncertain significance for Hereditary cancer-predisposing syndrome. Last evaluated: 2025-05-14. Review status: criteria provided, single submitter. Criteria: Ambry Variant Classification Scheme 2023. Collection method: clinical testing. Allele origin: germline.
Comment: The p.R965S variant (also known as c.2895G>C), located in coding exon 4 of the MSH6 gene, results from a G to C substitution at nucleotide position 2895. The arginine at codon 965 is replaced by serine, an amino acid with dissimilar properties. This amino acid position is not well conserved in available vertebrate species. In addition, the in silico prediction for this alteration is inconclusive. Based on the available evidence, the clinical significance of this variant remains unclear.

Color Diagnostics, LLC DBA Color Health
Classification: Uncertain significance for Hereditary cancer-predisposing syndrome. Last evaluated: 2024-03-06. Review status: criteria provided, single submitter. Criteria: ACMG Guidelines, 2015. Collection method: clinical testing. Allele origin: germline.
Comment: This missense variant replaces arginine with serine at codon 965 of the MSH6 protein. Computational prediction suggests that this variant may not impact protein structure and function (internally defined REVEL score threshold <= 0.5, PMID: 27666373). To our knowledge, functional studies have not been reported for this variant. This variant has not been reported in individuals affected with MSH6-related disorders in the literature. This variant has not been identified in the general population by the Genome Aggregation Database (gnomAD). The available evidence is insufficient to determine the role of this variant in disease conclusively. Therefore, this variant is classified as a Variant of Uncertain Significance.

Labcorp Genetics (formerly Invitae), Labcorp
Classification: Uncertain significance for Hereditary nonpolyposis colorectal neoplasms. Last evaluated: 2021-03-13. Review status: criteria provided, single submitter. Criteria: Invitae Variant Classification Sherloc (09022015). Collection method: clinical testing. Allele origin: germline.
Comment: This variant is not present in population databases (ExAC no frequency). This sequence change replaces arginine with serine at codon 965 of the MSH6 protein (p.Arg965Ser). The arginine residue is weakly conserved and there is a moderate physicochemical difference between arginine and serine. This variant has not been reported in the literature in individuals with MSH6-related conditions. ClinVar contains an entry for this variant (Variation ID: 628412). In summary, the available evidence is currently insufficient to determine the role of this variant in disease. Therefore, it has been classified as a Variant of Uncertain Significance. Advanced modeling of protein sequence and biophysical properties (such as structural, functional, and spatial information, amino acid conservation, physicochemical variation, residue mobility, and thermodynamic stability) performed at Invitae indicates that this missense variant is not expected to disrupt MSH6 protein function.